The following is an entry in ClinVar:

NM_000142.5(FGFR3):c.523C>T (p.Arg175Cys)

Gene: FGFR3 (fibroblast growth factor receptor 3; plus strand). Cytogenetic location: 4p16.3.
Variant type: single nucleotide variant.
Coding change: c.523C>T on transcript NM_000142.5 (MANE Select); coding-DNA position 523, C replaced by T.
Protein change: p.Arg175Cys; replaces arginine 175 with cysteine.
Molecular consequence: missense variant. On other transcripts: non-coding transcript variant (1).
Genome position (GRCh38, 1-based): chr4:1,801,444, C>T. VCF-style: chr4-1801444-C-T. GRCh37 (hg19) VCF-style: chr4-1803171-C-T.
Other names: c.523C>T, p.Arg175Cys (NM_001163213.2, NM_001354809.2, NM_001354810.2 and 1 more transcripts); short protein forms R175C.
Identifiers: ClinVar variation 2817759 (VCV002817759.3), dbSNP rs1161547820, ClinGen allele CA355975032.

ClinVar aggregate classification (germline): Uncertain significance (1 of 4 stars; one submission).

Allele frequency attached by ClinVar (database versions not stated): gnomAD exomes below 0.00001; TOPMed below 0.00001; gnomAD 0.00003.
gnomAD v4.1: 6 of 1,552,804 alleles (0.00039%); highest among the groups gnomAD compares: Middle Eastern, 0.017%; no homozygotes.

Submission:

Labcorp Genetics (formerly Invitae), Labcorp
Classification: Uncertain significance. Last evaluated: 2023-08-16. Review status: criteria provided, single submitter. Criteria: Invitae Variant Classification Sherloc (09022015). Collection method: clinical testing. Allele origin: germline.
Comment: This variant has not been reported in the literature in individuals affected with FGFR3-related conditions. Advanced modeling of protein sequence and biophysical properties (such as structural, functional, and spatial information, amino acid conservation, physicochemical variation, residue mobility, and thermodynamic stability) has been performed at Invitae for this missense variant, however the output from this modeling did not meet the statistical confidence thresholds required to predict the impact of this variant on FGFR3 protein function. In summary, the available evidence is currently insufficient to determine the role of this variant in disease. Therefore, it has been classified as a Variant of Uncertain Significance. This sequence change replaces arginine, which is basic and polar, with cysteine, which is neutral and slightly polar, at codon 175 of the FGFR3 protein (p.Arg175Cys). This variant is not present in population databases (gnomAD no frequency).